The following is an entry in ClinVar:

ClinVar aggregate classification (germline): Uncertain significance (1 of 4 stars; one submission).

Submission:

Ambry Genetics
Classification: Uncertain significance. Last evaluated: 2025-05-15. Review status: criteria provided, single submitter. Criteria: Ambry Variant Classification Scheme 2023. Collection method: clinical testing. Allele origin: germline.
Comment: The p.V683L variant (also known as c.2047G>T), located in coding exon 14 of the CTNNA3 gene, results from a G to T substitution at nucleotide position 2047. The valine at codon 683 is replaced by leucine, an amino acid with highly similar properties. This amino acid position is conserved. In addition, this alteration is predicted to be tolerated by in silico analysis. Based on the available evidence, the clinical significance of this variant remains unclear.

NM_013266.4(CTNNA3):c.2047G>T (p.Val683Leu)

Gene: CTNNA3 (catenin alpha 3; minus strand). Cytogenetic location: 10q21.3.
Variant type: single nucleotide variant.
Coding change: c.2047G>T on transcript NM_013266.4 (MANE Select); coding-DNA position 2047, G replaced by T.
Protein change: p.Val683Leu; replaces valine 683 with leucine.
Molecular consequence: missense variant.
Genome position (GRCh38, 1-based): chr10:66,069,420, C>A on the plus strand (G>T on the coding strand, the complement: CTNNA3 is on the minus strand). VCF-style: chr10-66069420-C-A. GRCh37 (hg19) VCF-style: chr10-67829178-C-A.
Other names: c.2047G>T, p.Val683Leu (NM_001127384.3); short protein forms V683L.
Identifiers: ClinVar variation 4008023 (VCV004008023.1).